The following is an entry in ClinVar:

NM_139057.4(ADAMTS17):c.1378C>T (p.Arg460Cys)

Gene: ADAMTS17 (ADAM metallopeptidase with thrombospondin type 1 motif 17; minus strand). Cytogenetic location: 15q26.3.
Variant type: single nucleotide variant.
Coding change: c.1378C>T on transcript NM_139057.4 (MANE Select); coding-DNA position 1378, C replaced by T.
Protein change: p.Arg460Cys; replaces arginine 460 with cysteine.
Molecular consequence: missense variant.
Genome position (GRCh38, 1-based): chr15:100,152,707, G>A on the plus strand (C>T on the coding strand, the complement: ADAMTS17 is on the minus strand). VCF-style: chr15-100152707-G-A. GRCh37 (hg19) VCF-style: chr15-100692912-G-A.
Other names: short protein forms R460C.
Identifiers: ClinVar variation 1475165 (VCV001475165.8), dbSNP rs763161481, ClinGen allele CA393934240.

ClinVar aggregate classification (germline): Uncertain significance (1 of 4 stars; one submission).

gnomAD v4.1: 15 of 1,614,086 alleles (0.00093%); highest among the groups gnomAD compares: South Asian, 0.0088%; no homozygotes.

Submission:

Labcorp Genetics (formerly Invitae), Labcorp
Classification: Uncertain significance. Last evaluated: 2021-06-06. Review status: criteria provided, single submitter. Criteria: Invitae Variant Classification Sherloc (09022015). Collection method: clinical testing. Allele origin: germline.
Comment: This sequence change replaces arginine with cysteine at codon 460 of the ADAMTS17 protein (p.Arg460Cys). The arginine residue is highly conserved and there is a large physicochemical difference between arginine and cysteine. In summary, the available evidence is currently insufficient to determine the role of this variant in disease. Therefore, it has been classified as a Variant of Uncertain Significance. Algorithms developed to predict the effect of missense changes on protein structure and function are either unavailable or do not agree on the potential impact of this missense change (SIFT: "Not Available"; PolyPhen-2: "Possibly Damaging"; Align-GVGD: "Not Available"). This variant has not been reported in the literature in individuals with ADAMTS17-related conditions. This variant is not present in population databases (ExAC no frequency).